The following is an entry in ClinVar:

NM_030662.4(MAP2K2):c.1197C>G (p.Ala399=)

Gene: MAP2K2 (mitogen-activated protein kinase kinase 2; minus strand). Cytogenetic location: 19p13.3.
Variant type: single nucleotide variant.
Coding change: c.1197C>G on transcript NM_030662.4 (MANE Select); coding-DNA position 1197, C replaced by G.
Protein change: p.Ala399=; no amino-acid change (alanine 399 retained).
Molecular consequence: synonymous variant.
Genome position (GRCh38, 1-based): chr19:4,090,604, G>C on the plus strand (C>G on the coding strand, the complement: MAP2K2 is on the minus strand). VCF-style: chr19-4090604-G-C. GRCh37 (hg19) VCF-style: chr19-4090602-G-C.
Identifiers: ClinVar variation 2979927 (VCV002979927.21), dbSNP rs987393686, ClinGen allele CA504984294.

ClinVar aggregate classification (germline): Likely benign. Review status: criteria provided, multiple submitters, no conflicts (2 of 4 stars). 2 submissions from 2 submitters: Likely benign (2). Last evaluated 2024-06-01.

Conditions:
RASopathy. Also called: Noonan spectrum disorder; rasopathies. Identifiers: Orphanet 536391, MedGen C5555857, MONDO:0021060.

gnomAD v4.1: 1 of 1,550,970 alleles (0.000064%); highest among the groups gnomAD compares: Non-Finnish European, 0.000087%; no homozygotes.

Submissions (2):

CeGaT Center for Human Genetics Tuebingen
Classification: Likely benign. Last evaluated: 2024-06-01. Review status: criteria provided, single submitter. Criteria: CeGaT Center For Human Genetics Tuebingen Variant Classification Criteria Version 2. Collection method: clinical testing. Allele origin: germline. Affected: yes. Observed: 1 variant allele.
Comment: MAP2K2: PM2:Supporting, BP4, BP7

Labcorp Genetics (formerly Invitae), Labcorp
Classification: Likely benign for RASopathy. Last evaluated: 2023-02-27. Review status: criteria provided, single submitter. Criteria: Invitae Variant Classification Sherloc (09022015). Collection method: clinical testing. Allele origin: germline.